The following is an entry in ClinVar:

ClinVar aggregate classification (germline): Uncertain significance (1 of 4 stars; one submission).

Conditions:
Parkinsonism-dystonia, infantile. Identifiers: Orphanet 238455, MedGen C2751067, MONDO:0013150.

Allele frequency attached by ClinVar (database versions not stated): gnomAD exomes 0.00002 and 0.00004; ExAC 0.00004; ESP Exome Variant Server 0.00015.
gnomAD v4.1: 44 of 1,613,304 alleles (0.0027%); highest among the groups gnomAD compares: African/African-American, 0.008%; no homozygotes.

Submission:

Labcorp Genetics (formerly Invitae), Labcorp
Classification: Uncertain significance for Parkinsonism-dystonia, infantile. Last evaluated: 2022-04-20. Review status: criteria provided, single submitter. Criteria: Invitae Variant Classification Sherloc (09022015). Collection method: clinical testing. Allele origin: germline.
Comment: This sequence change replaces alanine, which is neutral and non-polar, with valine, which is neutral and non-polar, at codon 455 of the SLC6A3 protein (p.Ala455Val). This variant is present in population databases (rs370907238, gnomAD 0.005%). This variant has not been reported in the literature in individuals affected with SLC6A3-related conditions. Algorithms developed to predict the effect of missense changes on protein structure and function output the following: SIFT: "Tolerated"; PolyPhen-2: "Benign"; Align-GVGD: "Class C0". The valine amino acid residue is found in multiple mammalian species, which suggests that this missense change does not adversely affect protein function. Algorithms developed to predict the effect of sequence changes on RNA splicing suggest that this variant may create or strengthen a splice site. In summary, the available evidence is currently insufficient to determine the role of this variant in disease. Therefore, it has been classified as a Variant of Uncertain Significance.

NM_001044.5(SLC6A3):c.1364C>T (p.Ala455Val)

Gene: SLC6A3 (solute carrier family 6 member 3). Cytogenetic location: 5p15.33.
Variant type: single nucleotide variant.
Coding change: c.1364C>T on transcript NM_001044.5 (MANE Select); coding-DNA position 1364, C replaced by T.
Protein change: p.Ala455Val; replaces alanine 455 with valine.
Molecular consequence: missense variant.
Genome position (GRCh38, 1-based): chr5:1,409,755, G>A on the plus strand (C>T on the coding strand, the complement: SLC6A3 is on the minus strand). VCF-style: chr5-1409755-G-A. GRCh37 (hg19) VCF-style: chr5-1409870-G-A.
Other names: short protein forms A455V.
Identifiers: ClinVar variation 1507197 (VCV001507197.4), dbSNP rs370907238, ClinGen allele CA3186070.